The following is an entry in ClinVar:

NM_000195.5(HPS1):c.1000del (p.Thr334fs)

Gene: HPS1 (HPS1 biogenesis of lysosomal organelles complex 3 subunit 1; minus strand). Cytogenetic location: 10q24.2.
Variant type: Deletion.
Coding change: c.1000del on transcript NM_000195.5 (MANE Select); coding-DNA position 1000, one base deleted (A; older notation c.1000delA).
Protein change: p.Thr334fs; shifts the reading frame from threonine 334.
Molecular consequence: frameshift variant.
Genome position (GRCh38, 1-based): chr10:98,425,973, T deleted on the plus strand (A on the coding strand, the reverse complement: HPS1 is on the minus strand). VCF-style (leftmost placement, unchanged base first): chr10-98425972-GT-G. GRCh37 (hg19) VCF-style: chr10-100185729-GT-G.
Other names: c.28del, p.Thr10fs (NM_001311345.2, NM_001322487.2, NM_001322489.2); c.1000del, p.Thr334fs (NM_001322476.2, NM_001322477.2); c.901del, p.Thr301fs (NM_001322478.2, NM_001322479.2); c.739del, p.Thr247fs (NM_001322480.2, NM_001322481.2); c.640del, p.Thr214fs (NM_001322482.2); c.631del, p.Thr211fs (NM_001322483.2, NM_001322484.2); c.532del, p.Thr178fs (NM_001322485.2); short protein forms T10fs, T178fs, T211fs, T214fs, T247fs, T301fs, T334fs.
Identifiers: ClinVar variation 5016323 (VCV005016323.1).

ClinVar aggregate classification (germline): Pathogenic (1 of 4 stars; one submission).

Conditions:
Hermansky-Pudlak syndrome 1 (HPS1). Also called: DELTA STORAGE POOL DISEASE. Identifiers: Orphanet 231500, Orphanet 79430, MedGen C2931875, MONDO:0008748, OMIM 203300.

Submission:

Myriad Genetics, Inc.
Classification: Pathogenic for Hermansky-Pudlak syndrome 1. Last evaluated: 2026-09-07. Review status: criteria provided, single submitter. Criteria: Myriad Autosomal Dominant, Autosomal Recessive and X-Linked Classification Criteria (2023). Collection method: clinical testing. Allele origin: unknown.
Comment: NM_000195.3(HPS1):c.1000delA(T334Pfs*24) is expected to be pathogenic in the context of Hermansky-Pudlak syndrome, HPS1-related. This variant is predicted to lead to an abnormal or absent protein product due to the creation of a premature termination codon in HPS1, a gene where loss-of-function variants are known to be pathogenic. Please note: this variant was assessed in the context of healthy population screening.